The following is an entry in ClinVar:

ClinVar aggregate classification (germline): Likely pathogenic (1 of 4 stars; one submission).

Conditions:
Fanconi anemia (FA). Also called: Fanconi's anemia. Identifiers: Orphanet 84, MedGen C0015625, MeSH D005199, MONDO:0019391.

gnomAD v4.1: 2 of 1,609,064 alleles (0.00012%); highest among the groups gnomAD compares: South Asian, 0.0022%; no homozygotes.

Submission:

Labcorp Genetics (formerly Invitae), Labcorp
Classification: Likely pathogenic for Fanconi anemia. Last evaluated: 2023-09-26. Review status: criteria provided, single submitter. Criteria: Invitae Variant Classification Sherloc (09022015). Collection method: clinical testing. Allele origin: germline.
Comment: In summary, the currently available evidence indicates that the variant is pathogenic, but additional data are needed to prove that conclusively. Therefore, this variant has been classified as Likely Pathogenic. Algorithms developed to predict the effect of sequence changes on RNA splicing suggest that this variant may disrupt the consensus splice site. This variant has not been reported in the literature in individuals affected with FANCI-related conditions. This variant is not present in population databases (gnomAD no frequency). This sequence change affects a donor splice site in intron 14 of the FANCI gene. It is expected to disrupt RNA splicing. Variants that disrupt the donor or acceptor splice site typically lead to a loss of protein function (PMID: 16199547), and loss-of-function variants in FANCI are known to be pathogenic (PMID: 17452773, 17460694).

Literature cited by the submitters: PubMed 16199547; PubMed 17452773; PubMed 17460694.

NM_001113378.2(FANCI):c.1381+1G>T

Gene: FANCI (FA complementation group I; plus strand). Cytogenetic location: 15q26.1.
Variant type: single nucleotide variant.
Coding change: c.1381+1G>T on transcript NM_001113378.2 (MANE Select); the canonical splice donor site of the intron after coding-DNA position 1381, G replaced by T.
Molecular consequence: splice donor variant.
Genome position (GRCh38, 1-based): chr15:89,278,775, G>T. VCF-style: chr15-89278775-G-T. GRCh37 (hg19) VCF-style: chr15-89822006-G-T.
Other names: c.1381+1G>T (NM_018193.3, NM_001376911.1); c.1102+1G>T (NM_001376910.1).
Identifiers: ClinVar variation 2963037 (VCV002963037.3), dbSNP rs2506599338, ClinGen allele CA393743413.
Genomic context (GRCh38, chr15:89,278,775, plus strand): 5'-TGGAGCAGGTCCTCAACAGGGTTGTTACCAGAGCATCTTCTCCCATCAGTCATTTCTTAG[G>T]TATTCAACTTTGAAAGAATGAATAAAGTTTTTAGAAATATTTTCATTTCAATGTCATAAT-3'